The following is an entry in ClinVar:

ClinVar aggregate classification (germline): Likely benign (1 of 4 stars; one submission).

Allele frequency attached by ClinVar (database versions not stated): 1000 Genomes Project 30x 0.00016; ESP Exome Variant Server 0.00033; TOPMed 0.00045; gnomAD 0.00052; ExAC 0.00099.

Submission:

CeGaT Center for Human Genetics Tuebingen
Classification: Likely benign. Last evaluated: 2022-03-01. Review status: criteria provided, single submitter. Criteria: CeGaT Center For Human Genetics Tuebingen Variant Classification Criteria Version 2. Collection method: clinical testing. Allele origin: germline. Affected: yes. Observed: 1 variant allele.
Comment: KIF26A: BP4

NM_015656.2(KIF26A):c.1945G>A (p.Ala649Thr)

Gene: KIF26A (kinesin family member 26A; plus strand). Cytogenetic location: 14q32.33.
Variant type: single nucleotide variant.
Coding change: c.1945G>A on transcript NM_015656.2 (MANE Select); coding-DNA position 1945, G replaced by A.
Protein change: p.Ala649Thr; replaces alanine 649 with threonine.
Molecular consequence: missense variant.
Genome position (GRCh38, 1-based): chr14:104,173,783, G>A. VCF-style: chr14-104173783-G-A. GRCh37 (hg19) VCF-style: chr14-104640120-G-A.
Other names: short protein forms A649T.
Identifiers: ClinVar variation 2644604 (VCV002644604.24), dbSNP rs199821247, ClinGen allele CA7370588.